The following is an entry in ClinVar:

ClinVar aggregate classification (germline): Uncertain significance (1 of 4 stars; one submission).

Allele frequency attached by ClinVar (database versions not stated): TOPMed 0.00001.

Submission:

Labcorp Genetics (formerly Invitae), Labcorp
Classification: Uncertain significance. Last evaluated: 2022-02-02. Review status: criteria provided, single submitter. Criteria: Invitae Variant Classification Sherloc (09022015). Collection method: clinical testing. Allele origin: germline.
Comment: In summary, the available evidence is currently insufficient to determine the role of this variant in disease. Therefore, it has been classified as a Variant of Uncertain Significance. Algorithms developed to predict the effect of sequence changes on RNA splicing suggest that this variant may create or strengthen a splice site. This variant has not been reported in the literature in individuals affected with CAMK2B-related conditions. This variant is not present in population databases (gnomAD no frequency). This sequence change falls in intron 6 of the CAMK2B gene. It does not directly change the encoded amino acid sequence of the CAMK2B protein.

NM_001220.5(CAMK2B):c.415-16G>A

Gene: CAMK2B (calcium/calmodulin dependent protein kinase II beta; minus strand). Cytogenetic location: 7p13.
Variant type: single nucleotide variant.
Coding change: c.415-16G>A on transcript NM_001220.5 (MANE Select); 16 bases into the intron before coding-DNA position 415, G replaced by A.
Molecular consequence: intron variant.
Genome position (GRCh38, 1-based): chr7:44,243,543, C>T on the plus strand (G>A on the coding strand, the complement: CAMK2B is on the minus strand). VCF-style: chr7-44243543-C-T. GRCh37 (hg19) VCF-style: chr7-44283142-C-T.
Other names: c.415-16G>A (NM_172084.3, NM_172080.3, NM_172083.3 and 5 more transcripts).
Identifiers: ClinVar variation 1498097 (VCV001498097.8), dbSNP rs1244180105, ClinGen allele CA838790414.